The following is an entry in ClinVar:

NM_002880.4(RAF1):c.1741A>G (p.Met581Val)

Gene: RAF1 (Raf-1 proto-oncogene, serine/threonine kinase; minus strand). Cytogenetic location: 3p25.2.
Variant type: single nucleotide variant.
Coding change: c.1741A>G on transcript NM_002880.4 (MANE Select); coding-DNA position 1741, A replaced by G.
Protein change: p.Met581Val; replaces methionine 581 with valine.
Molecular consequence: missense variant. On other transcripts: non-coding transcript variant (3).
Genome position (GRCh38, 1-based): chr3:12,584,909, T>C on the plus strand (A>G on the coding strand, the complement: RAF1 is on the minus strand). VCF-style: chr3-12584909-T-C. GRCh37 (hg19) VCF-style: chr3-12626408-T-C.
Other names: c.1801A>G, p.Met601Val (NM_001354689.3); c.1741A>G, p.Met581Val (NM_001354690.3); c.1498A>G, p.Met500Val (NM_001354691.3, NM_001354692.3); c.1642A>G, p.Met548Val (NM_001354693.3); c.1558A>G, p.Met520Val (NM_001354694.3); c.1399A>G, p.Met467Val (NM_001354695.3); short protein forms M581V, M601V, M500V, M467V, M520V, M548V.
Identifiers: ClinVar variation 577639 (VCV000577639.13), dbSNP rs752063874, ClinGen allele CA2259423.

ClinVar aggregate classification (germline): Uncertain significance. Review status: criteria provided, multiple submitters, no conflicts (2 of 4 stars). 4 submissions from 4 submitters: Uncertain significance (4). Last evaluated 2025-08-31.

Conditions:
Cardiovascular phenotype. Identifiers: MedGen CN230736.
RASopathy. Also called: rasopathies; Noonan spectrum disorder. Identifiers: Orphanet 536391, MedGen C5555857, MONDO:0021060.

Allele frequency attached by ClinVar (database versions not stated): TOPMed 0.00002; gnomAD exomes 0.00002 and 0.00001; gnomAD 0.00001; ExAC 0.00002.
gnomAD v4.1: 13 of 1,614,082 alleles (0.00081%); highest among the groups gnomAD compares: African/African-American, 0.0053%; no homozygotes.

Submissions (4):

Ambry Genetics
Classification: Uncertain significance for Cardiovascular phenotype. Last evaluated: 2025-08-31. Review status: criteria provided, single submitter. Criteria: Ambry Variant Classification Scheme 2023. Collection method: clinical testing. Allele origin: germline.
Comment: The p.M581V variant (also known as c.1741A>G), located in coding exon 15 of the RAF1 gene, results from an A to G substitution at nucleotide position 1741. The methionine at codon 581 is replaced by valine, an amino acid with highly similar properties. This amino acid position is conserved. In addition, the in silico prediction for this alteration is inconclusive. Since supporting evidence is limited at this time, the clinical significance of this alteration remains unclear.

Molecular Diagnostic Laboratory for Inherited Cardiovascular Disease, Montreal Heart Institute
Classification: Uncertain significance for Cardiovascular phenotype. Last evaluated: 2025-04-09. Review status: criteria provided, single submitter. Criteria: ACMG Guidelines, 2015. Collection method: clinical testing. Allele origin: germline. Affected: yes.
Comment: PP2

Labcorp Genetics (formerly Invitae), Labcorp
Classification: Uncertain significance for RASopathy. Last evaluated: 2024-09-24. Review status: criteria provided, single submitter. Criteria: Invitae Variant Classification Sherloc (09022015). Collection method: clinical testing. Allele origin: germline.
Comment: This sequence change replaces methionine, which is neutral and non-polar, with valine, which is neutral and non-polar, at codon 581 of the RAF1 protein (p.Met581Val). This variant is present in population databases (rs752063874, gnomAD 0.01%). This variant has not been reported in the literature in individuals affected with RAF1-related conditions. ClinVar contains an entry for this variant (Variation ID: 577639). Invitae Evidence Modeling of protein sequence and biophysical properties (such as structural, functional, and spatial information, amino acid conservation, physicochemical variation, residue mobility, and thermodynamic stability) indicates that this missense variant is expected to disrupt RAF1 protein function with a positive predictive value of 95%. In summary, the available evidence is currently insufficient to determine the role of this variant in disease. Therefore, it has been classified as a Variant of Uncertain Significance.

Women's Health and Genetics/Laboratory Corporation of America, LabCorp
Classification: Uncertain significance. Last evaluated: 2023-03-07. Review status: criteria provided, single submitter. Criteria: LabCorp Variant Classification Summary - May 2015. Collection method: clinical testing. Allele origin: germline.
Comment: Variant summary: RAF1 c.1741A>G (p.Met581Val) results in a conservative amino acid change located in the Protein kinase domain (IPR000719) of the encoded protein sequence. Four of five in-silico tools predict a damaging effect of the variant on protein function. The variant allele was found at a frequency of 2e-05 in 251352 control chromosomes (gnomAD). The available data on variant occurrences in the general population are insufficient to allow any conclusion about variant significance. To our knowledge, no occurrence of c.1741A>G in individuals affected with Noonan Syndrome and no experimental evidence demonstrating its impact on protein function have been reported. Two clinical diagnostic laboratories have submitted clinical-significance assessments for this variant to ClinVar after 2014 and classified the variant as uncertain significance. Based on the evidence outlined above, the variant was classified as uncertain significance.